The following is an entry in ClinVar:

ClinVar aggregate classification (germline): Uncertain significance (1 of 4 stars; one submission).

Submission:

GeneDx
Classification: Uncertain significance. Last evaluated: 2020-05-07. Review status: criteria provided, single submitter. Criteria: GeneDx Variant Classification Process June 2021. Collection method: clinical testing. Allele origin: germline. Affected: yes.
Comment: Not observed in large population cohorts (Lek et al., 2016); In silico analysis, which includes protein predictors and evolutionary conservation, supports that this variant does not alter protein structure/function; Has not been previously published as pathogenic or benign to our knowledge

NM_015114.3(ANKLE2):c.188T>C (p.Met63Thr)

Gene: ANKLE2 (ankyrin repeat and LEM domain containing 2; minus strand). Cytogenetic location: 12q24.33.
Variant type: single nucleotide variant.
Coding change: c.188T>C on transcript NM_015114.3 (MANE Select); coding-DNA position 188, T replaced by C.
Protein change: p.Met63Thr; replaces methionine 63 with threonine.
Molecular consequence: missense variant.
Genome position (GRCh38, 1-based): chr12:132,755,127, A>G on the plus strand (T>C on the coding strand, the complement: ANKLE2 is on the minus strand). VCF-style: chr12-132755127-A-G. GRCh37 (hg19) VCF-style: chr12-133331713-A-G.
Other names: short protein forms M63T.
Identifiers: ClinVar variation 1211143 (VCV001211143.3), dbSNP rs2044450967, ClinGen allele CA387362914.